The following is an entry in ClinVar:

ClinVar aggregate classification (germline): Benign/Likely benign. Review status: criteria provided, multiple submitters, no conflicts (2 of 4 stars). 3 submissions from 3 submitters: Benign (1); Likely benign (2). Last evaluated 2026-07-11.

Conditions:
Multiple endocrine neoplasia, type 1 (MEN1). Also called: MEN I; WERMER SYNDROME; Endocrine adenomatosis multiple; MEN 1; MEA I. Identifiers: Orphanet 652, MedGen C0025267, MeSH D018761, MONDO:0007540, OMIM 131100.
Hereditary cancer-predisposing syndrome. Also called: Neoplastic Syndromes, Hereditary; Tumor predisposition; Hereditary Cancer Syndrome; Hereditary neoplastic syndrome. Identifiers: Orphanet 140162, MedGen C0027672, MeSH D009386, MONDO:0015356.

Allele frequency attached by ClinVar (database versions not stated): gnomAD exomes below 0.00001.

Submissions (3):

Ambry Genetics
Classification: Likely benign for Hereditary cancer-predisposing syndrome. Last evaluated: 2026-07-11. Review status: criteria provided, single submitter. Criteria: Ambry Variant Classification Scheme 2023. Collection method: clinical testing. Allele origin: germline.

Myriad Genetics, Inc.
Classification: Benign for Multiple endocrine neoplasia, type 1. Last evaluated: 2024-10-31. Review status: criteria provided, single submitter. Criteria: Myriad Autosomal Dominant, Autosomal Recessive and X-Linked Classification Criteria (2023). Collection method: clinical testing. Allele origin: unknown.
Comment: This variant is considered benign. This variant is a silent/synonymous amino acid change and it is not expected to impact splicing.

Labcorp Genetics (formerly Invitae), Labcorp
Classification: Likely benign for Multiple endocrine neoplasia, type 1. Last evaluated: 2022-11-13. Review status: criteria provided, single submitter. Criteria: Invitae Variant Classification Sherloc (09022015). Collection method: clinical testing. Allele origin: germline.

NM_001370259.2(MEN1):c.360G>A (p.Lys120=)

Gene: MEN1 (menin 1; minus strand). Cytogenetic location: 11q13.1.
Variant type: single nucleotide variant.
Coding change: c.360G>A on transcript NM_001370259.2 (MANE Select); coding-DNA position 360, G replaced by A.
Protein change: p.Lys120=; no amino-acid change (lysine 120 retained).
Molecular consequence: synonymous variant.
Genome position (GRCh38, 1-based): chr11:64,809,750, C>T on the plus strand (G>A on the coding strand, the complement: MEN1 is on the minus strand). VCF-style: chr11-64809750-C-T. GRCh37 (hg19) VCF-style: chr11-64577222-C-T.
Other names: c.360G>A, p.Lys120= (NM_000244.4, NM_001370251.2, NM_001370260.2 and 9 more transcripts); c.360G>A (NM_130799.2).
Identifiers: ClinVar variation 1130950 (VCV001130950.11), dbSNP rs1477714779, ClinGen allele CA475163369.
Genomic context (GRCh38, chr11:64,809,750, plus strand): 5'-GATGTGGGCCCGATCCTTGAAGTAGGAGCGGCTGAGGCTGTTCCATATGACATCGGAGAC[C>T]TTCTTCACCAGCTCACGGCTGGAGACACCCCCTTCTCGAGGATAGAGGGACAGGTCGACG-3'
Protein context (NP_001357188.2, residues 110-130): GGVSSRELVK[Lys120=]VSDVIWNSLS